The following is an entry in ClinVar:

NM_004320.6(ATP2A1):c.827T>C (p.Ile276Thr)

Gene: ATP2A1 (ATPase sarcoplasmic/endoplasmic reticulum Ca2+ transporting 1; plus strand). Cytogenetic location: 16p11.2.
Variant type: single nucleotide variant.
Coding change: c.827T>C on transcript NM_004320.6 (MANE Select); coding-DNA position 827, T replaced by C.
Protein change: p.Ile276Thr; replaces isoleucine 276 with threonine.
Molecular consequence: missense variant.
Genome position (GRCh38, 1-based): chr16:28,887,621, T>C. VCF-style: chr16-28887621-T-C. GRCh37 (hg19) VCF-style: chr16-28898942-T-C.
Other names: c.452T>C, p.Ile151Thr (NM_001286075.2); c.827T>C, p.Ile276Thr (NM_173201.5); short protein forms I151T, I276T.
Identifiers: ClinVar variation 2183507 (VCV002183507.4), dbSNP rs1202372628, ClinGen allele CA395404047.
Genomic context (GRCh38, chr16:28,887,621, plus strand): 5'-TTGGGGAGCAGCTCTCCAAGGTCATCTCCCTCATCTGTGTGGCTGTCTGGCTTATCAACA[T>C]TGGCCACTTCAACGACCCCGTCCATGGGGGCTCCTGGTTCCGCGGGGCCATCTACTACTT-3'
Protein context (NP_004311.1, residues 266-286): LICVAVWLIN[Ile276Thr]GHFNDPVHGG

ClinVar aggregate classification (germline): Uncertain significance (1 of 4 stars; one submission).

Conditions:
Brody myopathy. Also called: BRODY DISEASE. Identifiers: Orphanet 53347, MedGen C1832918, MONDO:0010977, OMIM 601003.

Allele frequency attached by ClinVar (database versions not stated): gnomAD exomes below 0.00001; TOPMed below 0.00001.
gnomAD v4.1: 2 of 1,614,146 alleles (0.00012%); highest among the groups gnomAD compares: Non-Finnish European, 0.00017%; no homozygotes.

Submission:

Labcorp Genetics (formerly Invitae), Labcorp
Classification: Uncertain significance for Brody myopathy. Last evaluated: 2022-03-18. Review status: criteria provided, single submitter. Criteria: Invitae Variant Classification Sherloc (09022015). Collection method: clinical testing. Allele origin: germline.
Comment: Algorithms developed to predict the effect of missense changes on protein structure and function are either unavailable or do not agree on the potential impact of this missense change (SIFT: "Deleterious"; PolyPhen-2: "Probably Damaging"; Align-GVGD: "Class C0"). This variant has not been reported in the literature in individuals affected with ATP2A1-related conditions. This variant is not present in population databases (gnomAD no frequency). This sequence change replaces isoleucine, which is neutral and non-polar, with threonine, which is neutral and polar, at codon 276 of the ATP2A1 protein (p.Ile276Thr). In summary, the available evidence is currently insufficient to determine the role of this variant in disease. Therefore, it has been classified as a Variant of Uncertain Significance.